The following is an entry in ClinVar:

NM_001145308.5(LRTOMT):c.199C>T (p.Arg67Ter)

Genes: TOMT (transmembrane O-methyltransferase; plus strand), LRTOMT (leucine rich transmembrane and O-methyltransferase domain containing; plus strand). Cytogenetic location: 11q13.4.
Variant type: single nucleotide variant.
Coding change: c.199C>T on transcript NM_001145308.5; coding-DNA position 199, C replaced by T.
Protein change: p.Arg67Ter; replaces arginine 67 with a stop codon.
Molecular consequence: nonsense. On other transcripts: intron variant (1).
Genome position (GRCh38, 1-based): chr11:72,106,051, C>T. VCF-style: chr11-72106051-C-T. GRCh37 (hg19) VCF-style: chr11-71817097-C-T.
Other names: c.100C>T, p.Arg34Ter (NM_001393500.2); c.199C>T, p.Arg67Ter (NM_001145309.4); c.84-5C>T (NM_001145310.4); short protein forms R34*, R67*.
Identifiers: ClinVar variation 1804950 (VCV001804950.1), dbSNP rs780468292, ClinGen allele CA6168577.

ClinVar aggregate classification (germline): Pathogenic (1 of 4 stars; one submission).

Conditions:
Autosomal recessive nonsyndromic hearing loss 63. Identifiers: Orphanet 90636, MedGen C1969621, MONDO:0012670, OMIM 611451.

Allele frequency attached by ClinVar (database versions not stated): gnomAD exomes 0.00001; ExAC 0.00005.

Submission:

Victorian Clinical Genetics Services, Murdoch Childrens Research Institute
Classification: Pathogenic for Autosomal recessive nonsyndromic hearing loss 63. Last evaluated: 2021-05-06. Review status: criteria provided, single submitter. Criteria: ACMG Guidelines, 2015. Collection method: clinical testing. Allele origin: germline. Inheritance: Autosomal recessive inheritance. Affected: yes.
Comment: Based on the classification scheme VCGS_Germline_v1.3.4, this variant is classified as Pathogenic. Following criteria are met: 0102 - Loss of function is a known mechanism of disease in this gene and is associated with deafness (MIM#611451). (I) 0106 - This gene is associated with autosomal recessive disease. (I) 0201 - Variant is predicted to cause nonsense-mediated decay (NMD) and loss of protein (premature termination codon is located at least 54 nucleotides upstream of the final exon-exon junction). (SP) 0219 - This variant is non-coding in an alternative transcript. This gene encodes two structurally unrelated proteins, LRTOMT1 and LRTOMT2 (PMID: 18953341). This variant is non-coding in LRTOMT1. (I) 0252 - This variant is homozygous. (I) 0304 - Variant is present in gnomAD <0.01 for a recessive condition (1 heterozygote, 0 homozygotes). (SP) 0702 - Other NMD-predicted variants comparable to the one identified in this case have strong previous evidence for pathogenicity. NMD-predicted variants have been reported in multiple individuals with autosomal recessive deafness (ClinVar, PMID: 18953341, 18794526, 21739586). (SP) 0807 - This variant has no previous evidence of pathogenicity. (I) 0905 - No published segregation evidence has been identified for this variant. (I) 1007 - No published functional evidence has been identified for this variant. (I) 1208 - Inheritance information for this variant is not currently available in this individual. (I) Legend: (SP) - Supporting pathogenic, (I) - Information, (SB) - Supporting benign

Literature cited by the submitters: PubMed 18794526; PubMed 18953341; PubMed 21739586.